The following is an entry in ClinVar:

NM_006612.6(KIF1C):c.3129G>C (p.Ala1043=)

Gene: KIF1C (kinesin family member 1C; plus strand). Cytogenetic location: 17p13.2.
Variant type: single nucleotide variant.
Coding change: c.3129G>C on transcript NM_006612.6 (MANE Select); coding-DNA position 3129, G replaced by C.
Protein change: p.Ala1043=; no amino-acid change (alanine 1043 retained).
Molecular consequence: synonymous variant.
Genome position (GRCh38, 1-based): chr17:5,023,968, G>C. VCF-style: chr17-5023968-G-C. GRCh37 (hg19) VCF-style: chr17-4927263-G-C.
Other names: p.Ala1043=.
Identifiers: ClinVar variation 2077356 (VCV002077356.29), dbSNP rs774273753, ClinGen allele CA8319492.

ClinVar aggregate classification (germline): Likely benign. Review status: criteria provided, multiple submitters, no conflicts (2 of 4 stars). 3 submissions from 3 submitters: Likely benign (3). Last evaluated 2025-10-02.

Conditions:
Spastic ataxia 2. Also called: Ataxia, spastic, 2, autosomal recessive. Identifiers: Orphanet 397946, MedGen C1969796, MONDO:0012651, OMIM 611302.

gnomAD v4.1: 26 of 1,581,312 alleles (0.0016%); highest among the groups gnomAD compares: Middle Eastern, 0.017%; no homozygotes.

Submissions (3):

Labcorp Genetics (formerly Invitae), Labcorp
Classification: Likely benign for Spastic ataxia 2. Last evaluated: 2025-10-02. Review status: criteria provided, single submitter. Criteria: Invitae Variant Classification Sherloc (09022015). Collection method: clinical testing. Allele origin: germline.

CeGaT Center for Human Genetics Tuebingen
Classification: Likely benign. Last evaluated: 2025-03-01. Review status: criteria provided, single submitter. Criteria: CeGaT Center For Human Genetics Tuebingen Variant Classification Criteria Version 2. Collection method: clinical testing. Allele origin: germline. Affected: yes. Observed: 1 variant allele.
Comment: KIF1C: BP4, BP7

Mayo Clinic Laboratories, Mayo Clinic
Classification: Likely benign. Last evaluated: 2024-12-24. Review status: criteria provided, single submitter. Criteria: ACMG Guidelines, 2015. Collection method: clinical testing. Allele origin: germline. Observed: 1 variant allele.
Comment: BP4, BP7